The following is an entry in ClinVar:

NM_012472.6(DNAAF11):c.486T>G (p.Tyr162Ter)

Gene: DNAAF11 (dynein axonemal assembly factor 11; minus strand). Cytogenetic location: 8q24.22.
Variant type: single nucleotide variant.
Coding change: c.486T>G on transcript NM_012472.6 (MANE Select); coding-DNA position 486, T replaced by G.
Protein change: p.Tyr162Ter; replaces tyrosine 162 with a stop codon.
Molecular consequence: nonsense. On other transcripts: non-coding transcript variant (1).
Genome position (GRCh38, 1-based): chr8:132,632,907, A>C on the plus strand (T>G on the coding strand, the complement: DNAAF11 is on the minus strand). VCF-style: chr8-132632907-A-C. GRCh37 (hg19) VCF-style: chr8-133645153-A-C.
Other names: c.486T>G, p.Tyr162Ter (NM_001321961.2); c.240T>G, p.Tyr80Ter (NM_001321962.2); c.126T>G, p.Tyr42Ter (NM_001321963.2, NM_001321964.2, NM_001321965.2 and 1 more transcripts); short protein forms Y42*, Y80*, Y162*.
Identifiers: ClinVar variation 4777357 (VCV004777357.1).
Genomic context (GRCh38, chr8:132,632,907, plus strand): 5'-TTTGGCTCGTTTAAGACAGTGATCTTTTTCCTGCTCTCTGATTTGTGGTTCAATTACTGA[A>C]TAGTCCTGCAATGCCTTAATCCTTTCTGAAGGCTCTATTTCTTTACCATCCAACCACTTA-3'

ClinVar aggregate classification (germline): Pathogenic (1 of 4 stars; one submission).

Conditions:
Primary ciliary dyskinesia 19. Also called: CILIARY DYSKINESIA, PRIMARY, 19, WITH OR WITHOUT SITUS INVERSUS. Identifiers: Orphanet 244, MedGen C3543826, MONDO:0013979, OMIM 614935.

gnomAD v4.1: 1 of 1,613,794 alleles (0.000062%); highest among the groups gnomAD compares: Non-Finnish European, 0.000085%; no homozygotes.

Submission:

Labcorp Genetics (formerly Invitae), Labcorp
Classification: Pathogenic for Primary ciliary dyskinesia 19. Last evaluated: 2025-02-06. Review status: criteria provided, single submitter. Criteria: Invitae Variant Classification Sherloc (09022015). Collection method: clinical testing. Allele origin: germline.
Comment: This sequence change creates a premature translational stop signal (p.Tyr162*) in the LRRC6 gene. It is expected to result in an absent or disrupted protein product. Loss-of-function variants in LRRC6 are known to be pathogenic (PMID: 23122589). This variant is not present in population databases (gnomAD no frequency). This variant has not been reported in the literature in individuals affected with LRRC6-related conditions. For these reasons, this variant has been classified as Pathogenic.

Literature cited by the submitters: PubMed 23122589.